The following is an entry in ClinVar:

NM_001605.3(AARS1):c.2509G>A (p.Val837Ile)

Gene: AARS1 (alanyl-tRNA synthetase 1; minus strand). Cytogenetic location: 16q22.1.
Variant type: single nucleotide variant.
Coding change: c.2509G>A on transcript NM_001605.3 (MANE Select); coding-DNA position 2509, G replaced by A.
Protein change: p.Val837Ile; replaces valine 837 with isoleucine.
Molecular consequence: missense variant.
Genome position (GRCh38, 1-based): chr16:70,253,930, C>T on the plus strand (G>A on the coding strand, the complement: AARS1 is on the minus strand). VCF-style: chr16-70253930-C-T. GRCh37 (hg19) VCF-style: chr16-70287833-C-T.
Other names: short protein forms V837I.
Identifiers: ClinVar variation 2130754 (VCV002130754.4), dbSNP rs1408652714, ClinGen allele CA396555176.

ClinVar aggregate classification (germline): Uncertain significance (1 of 4 stars; one submission).

Conditions:
Charcot-Marie-Tooth disease type 2. Also called: Charcot-Marie-Tooth type 2. Identifiers: Orphanet 64746, MedGen C0270914, MONDO:0018993.

Allele frequency attached by ClinVar (database versions not stated): gnomAD exomes below 0.00001; TOPMed below 0.00001.
gnomAD v4.1: 2 of 1,614,248 alleles (0.00012%); highest among the groups gnomAD compares: South Asian, 0.0011%; no homozygotes.

Submission:

Labcorp Genetics (formerly Invitae), Labcorp
Classification: Uncertain significance for Charcot-Marie-Tooth disease type 2. Last evaluated: 2025-07-18. Review status: criteria provided, single submitter. Criteria: Invitae Variant Classification Sherloc (09022015). Collection method: clinical testing. Allele origin: germline.
Comment: This sequence change replaces valine, which is neutral and non-polar, with isoleucine, which is neutral and non-polar, at codon 837 of the AARS protein (p.Val837Ile). This variant is not present in population databases (gnomAD no frequency). This variant has not been reported in the literature in individuals affected with AARS-related conditions. ClinVar contains an entry for this variant (Variation ID: 2130754). Invitae Evidence Modeling of protein sequence and biophysical properties (such as structural, functional, and spatial information, amino acid conservation, physicochemical variation, residue mobility, and thermodynamic stability) indicates that this missense variant is not expected to disrupt AARS protein function with a negative predictive value of 95%. In summary, the available evidence is currently insufficient to determine the role of this variant in disease. Therefore, it has been classified as a Variant of Uncertain Significance.